The following is an entry in ClinVar:

ClinVar aggregate classification (germline): Conflicting classifications of pathogenicity. Review status: criteria provided, conflicting classifications (1 of 4 stars). 6 submissions from 6 submitters: Uncertain significance (3); Likely benign (3). Last evaluated 2026-01-22.

Conditions:
TBCE-related disorder. Also called: TBCE-related disorders; TBCE-related condition.
Hypoparathyroidism-retardation-dysmorphism syndrome (HRDS). Also called: SANJAD-SAKATI SYNDROME. Identifiers: Orphanet 2323, MedGen C1855840, MONDO:0009426, OMIM 241410.
Encephalopathy, progressive, with amyotrophy and optic atrophy (PEAMO). Identifiers: MedGen C4310667, MONDO:0014968, OMIM 617207.
Autosomal recessive Kenny-Caffey syndrome (KCS1). Identifiers: Orphanet 2333, Orphanet 93324, MedGen C1855648, MONDO:0009486, OMIM 244460.
Inborn genetic diseases. Identifiers: MedGen C0950123, MeSH D030342.

Allele frequency attached by ClinVar (database versions not stated): gnomAD 0.00016; TOPMed 0.00021; ESP Exome Variant Server 0.00023.
gnomAD v4.1: 275 of 1,613,816 alleles (0.017%); highest among the groups gnomAD compares: Middle Eastern, 0.033%; 1 homozygote.

Submissions (6):

Labcorp Genetics (formerly Invitae), Labcorp
Classification: Likely benign. Last evaluated: 2026-01-22. Review status: criteria provided, single submitter. Criteria: Invitae Variant Classification Sherloc (09022015). Collection method: clinical testing. Allele origin: germline.

PreventionGenetics, part of Exact Sciences
Classification: Likely benign for TBCE-related condition. Last evaluated: 2024-12-14. Review status: criteria provided, single submitter. Criteria: ACMG Guidelines, 2015. Collection method: clinical testing. Allele origin: germline.
Comment: This variant is classified as likely benign based on ACMG/AMP sequence variant interpretation guidelines (Richards et al. 2015 PMID: 25741868, with internal and published modifications).

Ambry Genetics
Classification: Likely benign for Inborn genetic diseases. Last evaluated: 2022-10-27. Review status: criteria provided, single submitter. Criteria: Ambry Variant Classification Scheme 2023. Collection method: clinical testing. Allele origin: germline.

Department of Pathology and Laboratory Medicine, Sinai Health System
Classification: Uncertain significance for Hypoparathyroidism-retardation-dysmorphism syndrome; Autosomal recessive Kenny-Caffey syndrome; Encephalopathy, progressive, with amyotrophy and optic atrophy. Last evaluated: 2020-08-20. Review status: criteria provided, single submitter. Criteria: ACMG Guidelines, 2015. Collection method: research. Allele origin: germline.

Illumina Laboratory Services, Illumina
Classification: Uncertain significance for Hypoparathyroidism-retardation-dysmorphism syndrome. Last evaluated: 2018-01-12. Review status: criteria provided, single submitter. Criteria: ICSL Variant Classification Criteria 13 December 2019. Collection method: clinical testing. Allele origin: germline.

Eurofins Ntd Llc (ga)
Classification: Uncertain significance. Last evaluated: 2014-11-23. Review status: criteria provided, single submitter. Criteria: EGL Classification Definitions 2015. Collection method: clinical testing. Allele origin: germline. Observed: 1 variant allele, 1 heterozygote.

NM_003193.5(TBCE):c.847A>T (p.Ile283Phe)

Gene: TBCE (tubulin folding cofactor E; plus strand). Cytogenetic location: 1q42.3.
Variant type: single nucleotide variant.
Coding change: c.847A>T on transcript NM_003193.5 (MANE Select); coding-DNA position 847, A replaced by T.
Protein change: p.Ile283Phe; replaces isoleucine 283 with phenylalanine.
Molecular consequence: missense variant.
Genome position (GRCh38, 1-based): chr1:235,436,399, A>T. VCF-style: chr1-235436399-A-T. GRCh37 (hg19) VCF-style: chr1-235599714-A-T.
Other names: c.847A>T, p.Ile283Phe (NM_001079515.3); c.1000A>T, p.Ile334Phe (NM_001287801.2); c.508A>T, p.Ile170Phe (NM_001287802.2); c.1000A>T (NM_001287801.1); short protein forms I283F, I170F, I334F.
Identifiers: ClinVar variation 193652 (VCV000193652.21), dbSNP rs200022583, ClinGen allele CA239231.